The following is an entry in ClinVar:

NM_017617.5(NOTCH1):c.2435G>C (p.Gly812Ala)

Gene: NOTCH1 (notch receptor 1; minus strand). Cytogenetic location: 9q34.3.
Variant type: single nucleotide variant.
Coding change: c.2435G>C on transcript NM_017617.5 (MANE Select); coding-DNA position 2435, G replaced by C.
Protein change: p.Gly812Ala; replaces glycine 812 with alanine.
Molecular consequence: missense variant.
Genome position (GRCh38, 1-based): chr9:136,513,053, C>G on the plus strand (G>C on the coding strand, the complement: NOTCH1 is on the minus strand). VCF-style: chr9-136513053-C-G. GRCh37 (hg19) VCF-style: chr9-139407505-C-G.
Other names: short protein forms G812A.
Identifiers: ClinVar variation 1002174 (VCV001002174.8), dbSNP rs1843208318, ClinGen allele CA375556435.

ClinVar aggregate classification (germline): Uncertain significance (1 of 4 stars; one submission).

Conditions:
Adams-Oliver syndrome 5 (AOS5). Identifiers: Orphanet 974, MedGen C4014970, MONDO:0014459, OMIM 616028.

Submission:

Labcorp Genetics (formerly Invitae), Labcorp
Classification: Uncertain significance for Adams-Oliver syndrome 5. Last evaluated: 2024-09-26. Review status: criteria provided, single submitter. Criteria: Invitae Variant Classification Sherloc (09022015). Collection method: clinical testing. Allele origin: germline.
Comment: This sequence change replaces glycine, which is neutral and non-polar, with alanine, which is neutral and non-polar, at codon 812 of the NOTCH1 protein (p.Gly812Ala). This variant is not present in population databases (gnomAD no frequency). This variant has not been reported in the literature in individuals affected with NOTCH1-related conditions. ClinVar contains an entry for this variant (Variation ID: 1002174). Invitae Evidence Modeling of protein sequence and biophysical properties (such as structural, functional, and spatial information, amino acid conservation, physicochemical variation, residue mobility, and thermodynamic stability) indicates that this missense variant is not expected to disrupt NOTCH1 protein function with a negative predictive value of 95%. In summary, the available evidence is currently insufficient to determine the role of this variant in disease. Therefore, it has been classified as a Variant of Uncertain Significance.